The following is an entry in ClinVar:

ClinVar aggregate classification (germline): Uncertain significance (1 of 4 stars; one submission).

Conditions:
Osteogenesis imperfecta type I (OI1). Also called: Classic Non-deforming Osteogenesis Imperfecta with Blue Sclerae; Lobstein's Disease; Lobstein disease; OI, TYPE I; OSTEOGENESIS IMPERFECTA TARDA; OSTEOGENESIS IMPERFECTA WITH BLUE SCLERAE. Identifiers: Orphanet 216796, Orphanet 666, MedGen C0023931, MONDO:0008146, OMIM 166200. Disease mechanism: loss of function.

Submission:

Labcorp Genetics (formerly Invitae), Labcorp
Classification: Uncertain significance for Osteogenesis imperfecta type I. Last evaluated: 2024-11-25. Review status: criteria provided, single submitter. Criteria: Invitae Variant Classification Sherloc (09022015). Collection method: clinical testing. Allele origin: germline.
Comment: This variant, c.447_455dup, results in the insertion of 3 amino acid(s) of the COL1A1 protein (p.Pro152_Gly154dup), but otherwise preserves the integrity of the reading frame. This variant is not present in population databases (gnomAD no frequency). This variant has not been reported in the literature in individuals affected with COL1A1-related conditions. Experimental studies and prediction algorithms are not available or were not evaluated, and the functional significance of this variant is currently unknown. In summary, the available evidence is currently insufficient to determine the role of this variant in disease. Therefore, it has been classified as a Variant of Uncertain Significance.

NM_000088.4(COL1A1):c.447_455dup (p.Gly154_Leu155insProProGly)

Gene: COL1A1 (collagen type I alpha 1 chain; minus strand). Cytogenetic location: 17q21.33.
Variant type: Duplication.
Coding change: c.447_455dup on transcript NM_000088.4 (MANE Select); coding-DNA positions 447 to 455, 9 bases duplicated (TCCCGGACC; older notation c.447_455dupTCCCGGACC).
Protein change: p.Gly154_Leu155insProProGly.
Molecular consequence: inframe insertion.
Genome position (GRCh38, 1-based): chr17:50,199,242-50,199,250, GGTCCGGGA duplicated on the plus strand (TCCCGGACC on the coding strand, the reverse complement: COL1A1 is on the minus strand); duplicating any 9 consecutive bases within chr17:50,199,242-50,199,258 gives the same sequence; the c. name uses the placement nearest the transcript's 3' end. VCF-style (leftmost placement, unchanged base first): chr17-50199241-G-GGGTCCGGGA. GRCh37 (hg19) VCF-style: chr17-48276602-G-GGGTCCGGGA.
Identifiers: ClinVar variation 3625671 (VCV003625671.2).